The following is an entry in ClinVar:

NM_014391.3(ANKRD1):c.346-21_346-12del

Gene: ANKRD1 (ankyrin repeat domain 1; minus strand). Cytogenetic location: 10q23.31.
Variant type: Deletion.
Coding change: c.346-21_346-12del on transcript NM_014391.3 (MANE Select); 21 bases into the intron before coding-DNA position 346 through 12 bases into the intron before coding-DNA position 346, 10 bases deleted (ATTTATTTAT; older notation c.346-21_346-12delATTTATTTAT).
Molecular consequence: intron variant.
Genome position (GRCh38, 1-based): chr10:90,918,984-90,918,993, ATAAATAAAT deleted on the plus strand (ATTTATTTAT on the coding strand, the reverse complement: ANKRD1 is on the minus strand); deleting any 10 consecutive bases within chr10:90,918,984-90,918,996 gives the same sequence; the c. name uses the placement nearest the transcript's 3' end. VCF-style (leftmost placement, unchanged base first): chr10-90918983-AATAAATAAAT-A. GRCh37 (hg19) VCF-style: chr10-92678740-AATAAATAAAT-A.
Other names: c.346-21_346-12del10 (NM_014391.3).
Identifiers: ClinVar variation 1598017 (VCV001598017.11), dbSNP rs796121587, ClinGen allele CA211424369.

ClinVar aggregate classification (germline): Likely benign. Review status: criteria provided, multiple submitters, no conflicts (2 of 4 stars). 3 submissions from 3 submitters: Likely benign (2). 1 of the submissions does not count toward it. Last evaluated 2026-02-02.

Conditions:
ANKRD1-related disorder. Also called: ANKRD1-related condition.
ANKRD1-related dilated cardiomyopathy. Identifiers: MedGen CN119551.

Submissions (3):

Labcorp Genetics (formerly Invitae), Labcorp
Classification: Likely benign for ANKRD1-related dilated cardiomyopathy. Last evaluated: 2026-02-02. Review status: criteria provided, single submitter. Criteria: Invitae Variant Classification Sherloc (09022015). Collection method: clinical testing. Allele origin: germline.

Women's Health and Genetics/Laboratory Corporation of America, LabCorp
Classification: Likely benign. Last evaluated: 2025-06-26. Review status: criteria provided, single submitter. Criteria: LabCorp Variant Classification Summary - May 2015. Collection method: clinical testing. Allele origin: germline.
Comment: Variant summary: ANKRD1 c.346-21_346-12del10 alters nucleotides located at a position not widely known to affect splicing. Consensus agreement among computation tools predict no significant impact on normal splicing. However, these predictions have yet to be confirmed by functional studies. The variant was absent in 213642 control chromosomes. The available data on variant occurrences in the general population are insufficient to allow any conclusion about variant significance. To our knowledge, no occurrence of c.346-21_346-12del10 in individuals affected with Cardiomyopathy and no experimental evidence demonstrating its impact on protein function have been reported. ClinVar contains an entry for this variant (Variation ID: 1598017). Based on the evidence outlined above, the variant was classified as likely benign.

PreventionGenetics, part of Exact Sciences
Classification: Likely benign for ANKRD1-related condition. Last evaluated: 2021-07-01. Review status: no assertion criteria provided. Collection method: clinical testing. Allele origin: germline. Not counted in ClinVar's aggregate classification.
Comment: This variant is classified as likely benign based on ACMG/AMP sequence variant interpretation guidelines (Richards et al. 2015 PMID: 25741868, with internal and published modifications).